The following is an entry in ClinVar:

ClinVar aggregate classification (germline): Pathogenic (1 of 4 stars; one submission).

Submission:

Labcorp Genetics (formerly Invitae), Labcorp
Classification: Pathogenic. Last evaluated: 2023-07-14. Review status: criteria provided, single submitter. Criteria: Invitae Variant Classification Sherloc (09022015). Collection method: clinical testing. Allele origin: germline.
Comment: For these reasons, this variant has been classified as Pathogenic. This variant disrupts a region of the COL4A5 protein in which other variant(s) (p.Gly737Asp) have been determined to be pathogenic (PMID: 30968591; Invitae). This suggests that this is a clinically significant region of the protein, and that variants that disrupt it are likely to be disease-causing. This variant disrupts the triple helix domain of COL4A5. Glycine residues within the Gly-Xaa-Yaa repeats of the triple helix domain are required for the structure and stability of fibrillar collagens (PMID: 7695699, 8218237, 19344236). In COL4A5, missense variants at these glycine residues are significantly enriched in individuals with disease (PMID: 23720012, 27627812) compared to the general population (ExAC). ClinVar contains an entry for this variant (Variation ID: 2016808). This variant has been observed in individual(s) with a clinical diagnosis of Alport syndrome (Invitae). This variant is not present in population databases (gnomAD no frequency). This variant, c.2175_2210del, results in the deletion of 12 amino acid(s) of the COL4A5 protein (p.Ala726_Gly737del), but otherwise preserves the integrity of the reading frame.

Literature cited by the submitters: PubMed 30968591; PubMed 7695699; PubMed 8218237; PubMed 19344236; PubMed 23720012; PubMed 27627812.

NM_033380.3(COL4A5):c.2175_2210del (p.Ala726_Gly737del)

Gene: COL4A5 (collagen type IV alpha 5 chain; plus strand). Cytogenetic location: Xq22.3.
Variant type: Deletion.
Coding change: c.2175_2210del on transcript NM_033380.3 (MANE Select); coding-DNA positions 2175 to 2210, 36 bases deleted.
Protein change: p.Ala726_Gly737del.
Molecular consequence: inframe deletion.
Genome position (GRCh38, 1-based): chrX:108,602,992-108,603,027, 36 bases deleted; deleting any 36 consecutive bases within chrX:108,602,989-108,603,027 gives the same sequence; the c. name uses the placement nearest the transcript's 3' end. GRCh37 (hg19): chrX:107,846,222-107,846,257.
Other names: c.2175_2210del, p.Ala726_Gly737del (NM_000495.5).
Identifiers: ClinVar variation 2016808 (VCV002016808.4), dbSNP rs2524332896, ClinGen allele CA2580100322.